The following is an entry in ClinVar:

NM_024592.5(SRD5A3):c.-6C>T

Gene: SRD5A3 (steroid 5 alpha-reductase 3; plus strand). Cytogenetic location: 4q12.
Variant type: single nucleotide variant.
Coding change: c.-6C>T on transcript NM_024592.5 (MANE Select); 6 bases upstream of the start codon, C replaced by T.
Molecular consequence: 5 prime UTR variant.
Genome position (GRCh38, 1-based): chr4:55,346,331, C>T. VCF-style: chr4-55346331-C-T. GRCh37 (hg19) VCF-style: chr4-56212498-C-T.
Identifiers: ClinVar variation 388731 (VCV000388731.3), dbSNP rs771229701, ClinGen allele CA2925185.

ClinVar aggregate classification (germline): Likely benign. Review status: criteria provided, multiple submitters, no conflicts (2 of 4 stars). 3 submissions from 3 submitters: Likely benign (3). Last evaluated 2025-04-10.

Allele frequency attached by ClinVar (database versions not stated): ExAC below 0.00001; gnomAD exomes 0.00014; gnomAD 0.00015 and 0.00016; TOPMed 0.00017.
gnomAD v4.1: 302 of 1,439,062 alleles (0.021%); highest among the groups gnomAD compares: Admixed American, 0.027%; no homozygotes.

Submissions (3):

Mayo Clinic Laboratories, Mayo Clinic
Classification: Likely benign. Last evaluated: 2025-04-10. Review status: criteria provided, single submitter. Criteria: ACMG Guidelines, 2015. Collection method: clinical testing. Allele origin: germline. Observed: 1 variant allele.
Comment: BP4, BP7

Blueprint Genetics
Classification: Likely benign. Last evaluated: 2024-08-30. Review status: criteria provided, single submitter. Criteria: ACMG Guidelines, 2015. Collection method: clinical testing. Allele origin: germline.

GeneDx
Classification: Likely benign. Last evaluated: 2016-09-21. Review status: criteria provided, single submitter. Criteria: GeneDx Variant Classification (06012015). Collection method: clinical testing. Allele origin: germline. Affected: yes.
Comment: This variant is considered likely benign or benign based on one or more of the following criteria: it is a conservative change, it occurs at a poorly conserved position in the protein, it is predicted to be benign by multiple in silico algorithms, and/or has population frequency not consistent with disease.